The following is an entry in ClinVar:

NM_021620.4(PRDM13):c.352T>C (p.Trp118Arg)

Gene: PRDM13 (PR/SET domain 13; plus strand). Cytogenetic location: 6q16.2.
Variant type: single nucleotide variant.
Coding change: c.352T>C on transcript NM_021620.4 (MANE Select); coding-DNA position 352, T replaced by C.
Protein change: p.Trp118Arg; replaces tryptophan 118 with arginine.
Molecular consequence: missense variant.
Genome position (GRCh38, 1-based): chr6:99,609,262, T>C. VCF-style: chr6-99609262-T-C. GRCh37 (hg19) VCF-style: chr6-100057138-T-C.
Other names: short protein forms W118R.
Identifiers: ClinVar variation 2005001 (VCV002005001.4), dbSNP rs1038570838, ClinGen allele CA143972451.
Genomic context (GRCh38, chr6:99,609,262, plus strand): 5'-TTGCGAGACGTCCAGCCAGGGGAGGAGCTGACAGTGTGGTATTCTAACTCCTTGGCTCAG[T>C]GGTTCGACATCCCCACCACAGCGACTCCGACTCACGACGAGAAAGGTACCCATTCCAAAA-3'
Protein context (NP_067633.2, residues 108-128): TVWYSNSLAQ[Trp118Arg]FDIPTTATPT

ClinVar aggregate classification (germline): Uncertain significance (1 of 4 stars; one submission).

Allele frequency attached by ClinVar (database versions not stated): gnomAD exomes 0.00001.
gnomAD v4.1: 5 of 1,613,978 alleles (0.00031%); highest among the groups gnomAD compares: Middle Eastern, 0.066%; no homozygotes.

Submission:

Labcorp Genetics (formerly Invitae), Labcorp
Classification: Uncertain significance. Last evaluated: 2022-10-13. Review status: criteria provided, single submitter. Criteria: Invitae Variant Classification Sherloc (09022015). Collection method: clinical testing. Allele origin: germline.
Comment: In summary, the available evidence is currently insufficient to determine the role of this variant in disease. Therefore, it has been classified as a Variant of Uncertain Significance. Algorithms developed to predict the effect of missense changes on protein structure and function (SIFT, PolyPhen-2, Align-GVGD) all suggest that this variant is likely to be disruptive. This variant has not been reported in the literature in individuals affected with PRDM13-related conditions. This variant is not present in population databases (gnomAD no frequency). This sequence change replaces tryptophan, which is neutral and slightly polar, with arginine, which is basic and polar, at codon 118 of the PRDM13 protein (p.Trp118Arg).